The following is an entry in ClinVar:

ClinVar aggregate classification (germline): Pathogenic (1 of 4 stars; one submission).

Conditions:
RYR1-related disorder. Also called: RYR1-related condition; RYR1-related disorders. Identifiers: MedGen CN239331.

Submission:

Labcorp Genetics (formerly Invitae), Labcorp
Classification: Pathogenic for RYR1-related disorder. Last evaluated: 2024-10-05. Review status: criteria provided, single submitter. Criteria: Invitae Variant Classification Sherloc (09022015). Collection method: clinical testing. Allele origin: germline.
Comment: This sequence change creates a premature translational stop signal (p.Cys4664Valfs*7) in the RYR1 gene. It is expected to result in an absent or disrupted protein product. Loss-of-function variants in RYR1 are known to be pathogenic (PMID: 23919265, 25960145, 28818389, 30611313). This variant is not present in population databases (gnomAD no frequency). This variant has not been reported in the literature in individuals affected with RYR1-related conditions. For these reasons, this variant has been classified as Pathogenic.

Literature cited by the submitters: PubMed 23919265; PubMed 25960145; PubMed 28818389; PubMed 30611313.

NM_000540.3(RYR1):c.13990del (p.Cys4664fs)

Gene: RYR1 (ryanodine receptor 1; plus strand). Cytogenetic location: 19q13.2.
Variant type: Deletion.
Coding change: c.13990del on transcript NM_000540.3 (MANE Select); coding-DNA position 13990, one base deleted (T; older notation c.13990delT).
Protein change: p.Cys4664fs; shifts the reading frame from cysteine 4664.
Molecular consequence: frameshift variant.
Genome position (GRCh38, 1-based): chr19:38,572,262, T deleted; the last of 2 consecutive T bases (chr19:38,572,261-38,572,262); deleting either gives the same sequence. VCF-style (leftmost placement, unchanged base first): chr19-38572260-AT-A. GRCh37 (hg19) VCF-style: chr19-39062900-AT-A.
Other names: c.13975del, p.Cys4659fs (NM_001042723.2); short protein forms C4659fs, C4664fs.
Identifiers: ClinVar variation 3673150 (VCV003673150.2).